The following is an entry in ClinVar:

NM_206937.2(LIG4):c.513T>C (p.Leu171=)

Gene: LIG4 (DNA ligase 4; minus strand). Cytogenetic location: 13q33.3.
Variant type: single nucleotide variant.
Coding change: c.513T>C on transcript NM_206937.2 (MANE Select); coding-DNA position 513, T replaced by C.
Protein change: p.Leu171=; no amino-acid change (leucine 171 retained).
Molecular consequence: synonymous variant.
Genome position (GRCh38, 1-based): chr13:108,210,756, A>G on the plus strand (T>C on the coding strand, the complement: LIG4 is on the minus strand). VCF-style: chr13-108210756-A-G. GRCh37 (hg19) VCF-style: chr13-108863104-A-G.
Other names: p.Leu171=; c.513T>C, p.Leu171= (NM_001098268.2, NM_001352598.2, NM_001352599.2 and 6 more transcripts); c.312T>C, p.Leu104= (NM_001330595.2); c.549T>C, p.Leu183= (NM_001352604.2).
Identifiers: ClinVar variation 211375 (VCV000211375.26), dbSNP rs3093764, ClinGen allele CA207995.
Genomic context (GRCh38, chr13:108,210,756, plus strand): 5'-TATGATCATCCGTATAAGCCACTTTTGCTCAAGTGCTGAACTCTGAGTTATAAGTTGAAG[A>G]AGGCTCTTTTTTATTAGGTCTTTTCTTTTAGCAGAATTATTGCTGGCAATTGAGTCTAAA-3'
Protein context (NP_996820.1, residues 161-181): AKRKDLIKKS[Leu171=]LQLITQSSAL

ClinVar aggregate classification (germline): Benign. Review status: criteria provided, multiple submitters, no conflicts (2 of 4 stars). 8 submissions from 7 submitters: Benign (8). Last evaluated 2026-01-27.

Conditions:
DNA ligase IV deficiency. Identifiers: Orphanet 99812, MedGen C1847827, MONDO:0011686, OMIM 606593.
Severe combined immunodeficiency due to DCLRE1C deficiency (RS-SCID). Also called: SCID, AUTOSOMAL RECESSIVE, T CELL-NEGATIVE, B CELL-NEGATIVE, NK CELL-POSITIVE, WITH SENSITIVITY TO IONIZING RADIATION. Identifiers: Orphanet 275, MedGen C1865371, MONDO:0011225, OMIM 602450.

Allele frequency attached by ClinVar (database versions not stated): 1000 Genomes Project 30x 0.00718; gnomAD exomes 0.00170 and 0.00071; ExAC 0.00204; 1000 Genomes Project 0.00639; gnomAD 0.00714 and 0.00779; TOPMed 0.00802; ESP Exome Variant Server 0.00731.

Submissions (8):

Labcorp Genetics (formerly Invitae), Labcorp
Classification: Benign for DNA ligase IV deficiency. Last evaluated: 2026-01-27. Review status: criteria provided, single submitter. Criteria: Invitae Variant Classification Sherloc (09022015). Collection method: clinical testing. Allele origin: germline.

Women's Health and Genetics/Laboratory Corporation of America, LabCorp
Classification: Benign. Last evaluated: 2026-01-22. Review status: criteria provided, single submitter. Criteria: LabCorp Variant Classification Summary - May 2015. Collection method: clinical testing. Allele origin: germline.

Mayo Clinic Laboratories, Mayo Clinic
Classification: Benign. Last evaluated: 2025-02-26. Review status: criteria provided, single submitter. Criteria: ACMG Guidelines, 2015. Collection method: clinical testing. Allele origin: germline. Observed: 6 variant alleles.
Comment: BS1, BS2, BP4, BP7

Genetic Services Laboratory, University of Chicago
Classification: Benign. Last evaluated: 2021-06-20. Review status: criteria provided, single submitter. Criteria: ACMG Guidelines, 2015. Collection method: clinical testing. Allele origin: germline. Affected: no.

GeneDx
Classification: Benign. Last evaluated: 2019-06-10. Review status: criteria provided, single submitter. Criteria: GeneDx Variant Classification Process June 2021. Collection method: clinical testing. Allele origin: germline. Affected: yes.

Illumina Laboratory Services, Illumina
Classification: Benign for DNA ligase IV deficiency. Last evaluated: 2018-01-12. Review status: criteria provided, single submitter. Criteria: ICSL Variant Classification Criteria 13 December 2019. Collection method: clinical testing. Allele origin: germline.
Comment: This variant was observed in the ICSL laboratory as part of a predisposition screen in an ostensibly healthy population. It had not been previously curated by ICSL or reported in the Human Gene Mutation Database (HGMD: prior to June 1st, 2018), and was therefore a candidate for classification through an automated scoring system. Utilizing variant allele frequency, disease prevalence and penetrance estimates, and inheritance mode, an automated score was calculated to assess if this variant is too frequent to cause the disease. Based on the score and internal cut-off values, a variant classified as benign is not then subjected to further curation. The score for this variant resulted in a classification of benign for this disease.

Illumina Laboratory Services, Illumina
Classification: Benign for Severe combined immunodeficiency due to DCLRE1C deficiency. Last evaluated: 2018-01-12. Review status: criteria provided, single submitter. Criteria: ICSL Variant Classification Criteria 13 December 2019. Collection method: clinical testing. Allele origin: germline.
Comment: the same text as in the submission from Illumina Laboratory Services, Illumina above.

Breakthrough Genomics
Classification: Benign. Review status: criteria provided, single submitter. Criteria: ACMG Guidelines, 2015. Collection method: not provided. Allele origin: germline. Inheritance: Autosomal recessive inheritance. Affected: yes.